The following is an entry in ClinVar:

NM_018897.3(DNAH7):c.3656A>G (p.Asp1219Gly)

Gene: DNAH7 (dynein axonemal heavy chain 7; minus strand). Cytogenetic location: 2q32.3.
Variant type: single nucleotide variant.
Coding change: c.3656A>G on transcript NM_018897.3 (MANE Select); coding-DNA position 3656, A replaced by G.
Protein change: p.Asp1219Gly; replaces aspartic acid 1219 with glycine.
Molecular consequence: missense variant.
Genome position (GRCh38, 1-based): chr2:195,923,764, T>C on the plus strand (A>G on the coding strand, the complement: DNAH7 is on the minus strand). VCF-style: chr2-195923764-T-C. GRCh37 (hg19) VCF-style: chr2-196788488-T-C.
Other names: NC_000002.11:g.196788488T>C; short protein forms D1219G.
Identifiers: ClinVar variation 2342185 (VCV002342185.4), dbSNP rs199554102, ClinGen allele CA2035974.

ClinVar aggregate classification (germline): Uncertain significance. Review status: criteria provided, multiple submitters, no conflicts (2 of 4 stars). 2 submissions from 2 submitters: Uncertain significance (2). Last evaluated 2023-12-18.

Allele frequency attached by ClinVar (database versions not stated): ExAC 0.00011; ESP Exome Variant Server 0.00025.
gnomAD v4.1: 480 of 1,614,014 alleles (0.03%); highest among the groups gnomAD compares: Non-Finnish European, 0.037%; 2 homozygotes.

Submissions (3):

Ambry Genetics
Classification: Uncertain significance. Last evaluated: 2023-12-18. Review status: criteria provided, single submitter. Criteria: Ambry Variant Classification Scheme 2023. Collection method: clinical testing. Allele origin: germline.

GeneDx
Classification: Uncertain significance. Last evaluated: 2023-03-31. Review status: criteria provided, single submitter. Criteria: GeneDx Variant Classification Process June 2021. Collection method: clinical testing. Allele origin: germline. Affected: yes.
Comment: In silico analysis supports that this missense variant has a deleterious effect on protein structure/function; Has not been previously published as pathogenic or benign to our knowledge; Variants in candidate genes are classified as variants of uncertain significance in accordance with ACMG guidelines (Richards et al., 2015)

Dr. Peter K. Rogan Lab, Western University
No classification provided (evidence only). Condition: Familial cancer of breast. Review status: no classification provided. Collection method: in vitro. Allele origin: not applicable. Functional consequence: retained intron. Not counted in ClinVar's aggregate classification.